The following is an entry in ClinVar:

ClinVar aggregate classification (germline): Uncertain significance. Review status: criteria provided, multiple submitters, no conflicts (2 of 4 stars). 4 submissions from 4 submitters: Uncertain significance (4). Last evaluated 2025-10-26.

Conditions:
Thrombophilia due to protein C deficiency, autosomal dominant. Also called: PROC DEFICIENCY, AUTOSOMAL DOMINANT; PROTEIN C DEFICIENCY, AUTOSOMAL DOMINANT. Identifiers: Orphanet 745, MedGen C2674321, MONDO:0008316, OMIM 176860. Disease mechanism: loss of function.
PROC-related disorder. Also called: PROC-related condition.

Allele frequency attached by ClinVar (database versions not stated): gnomAD exomes below 0.00001; gnomAD 0.00001; TOPMed 0.00001.

Submissions (4):

Labcorp Genetics (formerly Invitae), Labcorp
Classification: Uncertain significance for Thrombophilia due to protein C deficiency, autosomal dominant. Last evaluated: 2025-10-26. Review status: criteria provided, single submitter. Criteria: Invitae Variant Classification Sherloc (09022015). Collection method: clinical testing. Allele origin: germline.
Comment: This sequence change replaces leucine, which is neutral and non-polar, with proline, which is neutral and non-polar, at codon 142 of the PROC protein (p.Leu142Pro). The frequency data for this variant in the population databases is considered unreliable, as metrics indicate poor data quality at this position in the gnomAD database. This missense change has been observed in individual(s) with clinical features of PROC-related conditions (PMID: 22627591). ClinVar contains an entry for this variant (Variation ID: 2634133). Invitae Evidence Modeling of protein sequence and biophysical properties (such as structural, functional, and spatial information, amino acid conservation, physicochemical variation, residue mobility, and thermodynamic stability) indicates that this missense variant is not expected to disrupt PROC protein function with a negative predictive value of 80%. In summary, the available evidence is currently insufficient to determine the role of this variant in disease. Therefore, it has been classified as a Variant of Uncertain Significance.

Mayo Clinic Laboratories, Mayo Clinic
Classification: Uncertain significance. Last evaluated: 2024-04-23. Review status: criteria provided, single submitter. Criteria: ACMG Guidelines, 2015. Collection method: clinical testing. Allele origin: germline. Observed: 1 variant allele.
Comment: PM1_supporting, PM2_moderate

Blueprint Genetics
Classification: Uncertain significance. Last evaluated: 2023-03-06. Review status: criteria provided, single submitter. Criteria: ACMG Guidelines, 2015. Collection method: clinical testing. Allele origin: germline.

PreventionGenetics, part of Exact Sciences
Classification: Uncertain significance for PROC-related condition. Last evaluated: 2022-10-04. Review status: criteria provided, single submitter. Criteria: ACMG Guidelines, 2015. Collection method: clinical testing. Allele origin: germline.
Comment: The PROC c.425T>C variant is predicted to result in the amino acid substitution p.Leu142Pro. This variant was reported in an individual with protein C deficiency (Caspers et al. 2012. PubMed ID: 22627591). This variant is reported in 0.0019% of alleles in individuals of European (Non-Finnish) descent in gnomAD. At this time, the clinical significance of this variant is uncertain due to the absence of conclusive functional and genetic evidence.

Literature cited by the submitters: PubMed 22627591 (cited by Labcorp Genetics (formerly Invitae), Labcorp and Mayo Clinic Laboratories, Mayo Clinic).

NM_000312.4(PROC):c.425T>C (p.Leu142Pro)

Gene: PROC (protein C, inactivator of coagulation factors Va and VIIIa; plus strand). Cytogenetic location: 2q14.3.
Variant type: single nucleotide variant.
Coding change: c.425T>C on transcript NM_000312.4 (MANE Select); coding-DNA position 425, T replaced by C.
Protein change: p.Leu142Pro; replaces leucine 142 with proline.
Molecular consequence: missense variant. On other transcripts: intron variant (1).
Genome position (GRCh38, 1-based): chr2:127,423,298, T>C. VCF-style: chr2-127423298-T-C. GRCh37 (hg19) VCF-style: chr2-128180874-T-C.
Other names: p.Leu142Pro; c.608T>C, p.Leu203Pro (NM_001375602.1); c.590T>C, p.Leu197Pro (NM_001375603.1); c.488T>C, p.Leu163Pro (NM_001375604.1); c.527T>C, p.Leu176Pro (NM_001375605.1); c.593T>C, p.Leu198Pro (NM_001375606.1); c.611T>C, p.Leu204Pro (NM_001375607.1); c.401T>C, p.Leu134Pro (NM_001375609.1); and 3 more; short protein forms L134P, L140P, L142P, L163P, L176P, L197P, L198P, L203P.
Identifiers: ClinVar variation 2634133 (VCV002634133.4), dbSNP rs1018638178, ClinGen allele CA55345471.
Genomic context (GRCh38, chr2:127,423,298, plus strand): 5'-CCAGCACCAGCTGCCCGCGCCCTCCCCTGCCCGCAGAGGTGAGCTTCCTCAATTGCTCGC[T>C]GGACAACGGCGGCTGCACGCATTACTGCCTAGAGGAGGTGGGCTGGCGGCGCTGTAGCTG-3'
Protein context (NP_000303.1, residues 132-152): QREVSFLNCS[Leu142Pro]DNGGCTHYCL